The following is an entry in ClinVar:

ClinVar aggregate classification (germline): Uncertain significance. Review status: criteria provided, multiple submitters, no conflicts (2 of 4 stars). 2 submissions from 2 submitters: Uncertain significance (2). Last evaluated 2024-09-03.

Conditions:
Immunodeficiency. Identifiers: MedGen C0021051, MONDO:0021094, HP:0002721.

gnomAD v4.1: 4 of 1,614,240 alleles (0.00025%); highest among the groups gnomAD compares: Non-Finnish European, 0.00025%; no homozygotes.

Submissions (2):

Ambry Genetics
Classification: Uncertain significance. Last evaluated: 2024-09-03. Review status: criteria provided, single submitter. Criteria: Ambry Variant Classification Scheme 2023. Collection method: clinical testing. Allele origin: germline.

Labcorp Genetics (formerly Invitae), Labcorp
Classification: Uncertain significance for Immunodeficiency. Last evaluated: 2024-06-13. Review status: criteria provided, single submitter. Criteria: Invitae Variant Classification Sherloc (09022015). Collection method: clinical testing. Allele origin: germline.
Comment: This sequence change replaces glutamine, which is neutral and polar, with arginine, which is basic and polar, at codon 897 of the NFAT5 protein (p.Gln897Arg). This variant is not present in population databases (gnomAD no frequency). This variant has not been reported in the literature in individuals affected with NFAT5-related conditions. An algorithm developed to predict the effect of missense changes on protein structure and function (PolyPhen-2) suggests that this variant is likely to be tolerated. In summary, the available evidence is currently insufficient to determine the role of this variant in disease. Therefore, it has been classified as a Variant of Uncertain Significance.

NM_138713.4(NFAT5):c.2972A>G (p.Gln991Arg)

Gene: NFAT5 (nuclear factor of activated T cells 5; plus strand). Cytogenetic location: 16q22.1.
Variant type: single nucleotide variant.
Coding change: c.2972A>G on transcript NM_138713.4 (MANE Select); coding-DNA position 2972, A replaced by G.
Protein change: p.Gln991Arg; replaces glutamine 991 with arginine.
Molecular consequence: missense variant.
Genome position (GRCh38, 1-based): chr16:69,692,797, A>G. VCF-style: chr16-69692797-A-G. GRCh37 (hg19) VCF-style: chr16-69726700-A-G.
Other names: c.2969A>G, p.Gln990Arg (NM_001113178.3); c.2297A>G, p.Gln766Arg (NM_001367709.1); c.2918A>G, p.Gln973Arg (NM_006599.4); c.2690A>G, p.Gln897Arg (NM_138714.4, NM_173214.3, NM_173215.3); short protein forms Q897R, Q973R, Q766R, Q990R, Q991R.
Identifiers: ClinVar variation 3405072 (VCV003405072.3).